The following is an entry in ClinVar:

NM_181882.3(PRX):c.1169G>A (p.Arg390Lys)

Gene: PRX (periaxin; minus strand). Cytogenetic location: 19q13.2.
Variant type: single nucleotide variant.
Coding change: c.1169G>A on transcript NM_181882.3 (MANE Select); coding-DNA position 1169, G replaced by A.
Protein change: p.Arg390Lys; replaces arginine 390 with lysine.
Molecular consequence: missense variant. On other transcripts: 3 prime UTR variant (1).
Genome position (GRCh38, 1-based): chr19:40,397,183, C>T on the plus strand (G>A on the coding strand, the complement: PRX is on the minus strand). VCF-style: chr19-40397183-C-T. GRCh37 (hg19) VCF-style: chr19-40903090-C-T.
Other names: c.*1374G>A (NM_020956.2); short protein forms R390K.
Identifiers: ClinVar variation 1488276 (VCV001488276.8), dbSNP rs2079447897, ClinGen allele CA405898941.

ClinVar aggregate classification (germline): Uncertain significance (1 of 4 stars; one submission).

Conditions:
Charcot-Marie-Tooth disease type 4. Also called: Charcot-Marie-Tooth disease, type IV; Charcot-Marie-Tooth, Type 4. Identifiers: Orphanet 64749, MedGen C4082197, MONDO:0018995.

Submission:

Labcorp Genetics (formerly Invitae), Labcorp
Classification: Uncertain significance for Charcot-Marie-Tooth disease type 4. Last evaluated: 2021-01-17. Review status: criteria provided, single submitter. Criteria: Invitae Variant Classification Sherloc (09022015). Collection method: clinical testing. Allele origin: germline.
Comment: This sequence change replaces arginine with lysine at codon 390 of the PRX protein (p.Arg390Lys). The arginine residue is moderately conserved and there is a small physicochemical difference between arginine and lysine. This variant is not present in population databases (ExAC no frequency). This variant has not been reported in the literature in individuals with PRX-related conditions. Algorithms developed to predict the effect of missense changes on protein structure and function output the following: SIFT: "Tolerated"; PolyPhen-2: "Benign"; Align-GVGD: "Class C0". The lysine amino acid residue is found in multiple mammalian species, suggesting that this missense change does not adversely affect protein function. These predictions have not been confirmed by published functional studies and their clinical significance is uncertain. In summary, the available evidence is currently insufficient to determine the role of this variant in disease. Therefore, it has been classified as a Variant of Uncertain Significance.